The following is an entry in ClinVar:

NM_000170.3(GLDC):c.1364A>G (p.Gln455Arg)

Gene: GLDC (glycine decarboxylase; minus strand). Cytogenetic location: 9p24.1.
Variant type: single nucleotide variant.
Coding change: c.1364A>G on transcript NM_000170.3 (MANE Select); coding-DNA position 1364, A replaced by G.
Protein change: p.Gln455Arg; replaces glutamine 455 with arginine.
Molecular consequence: missense variant.
Genome position (GRCh38, 1-based): chr9:6,592,888, T>C on the plus strand (A>G on the coding strand, the complement: GLDC is on the minus strand). VCF-style: chr9-6592888-T-C. GRCh37 (hg19) VCF-style: chr9-6592888-T-C.
Other names: short protein forms Q455R.
Identifiers: ClinVar variation 2187004 (VCV002187004.4), dbSNP rs2489085162, ClinGen allele CA372893970.

ClinVar aggregate classification (germline): Uncertain significance (1 of 4 stars; one submission).

Conditions:
Glycine encephalopathy. Also called: Nonketotic hyperglycinemia; Non-ketotic hyperglycinemia. Identifiers: Orphanet 407, MedGen C0751748, MONDO:0011612, HP:0008288.

Submission:

Labcorp Genetics (formerly Invitae), Labcorp
Classification: Uncertain significance for Glycine encephalopathy. Last evaluated: 2024-05-15. Review status: criteria provided, single submitter. Criteria: Invitae Variant Classification Sherloc (09022015). Collection method: clinical testing. Allele origin: germline.
Comment: This sequence change replaces glutamine, which is neutral and polar, with arginine, which is basic and polar, at codon 455 of the GLDC protein (p.Gln455Arg). This variant is not present in population databases (gnomAD no frequency). This variant has not been reported in the literature in individuals affected with GLDC-related conditions. ClinVar contains an entry for this variant (Variation ID: 2187004). Advanced modeling of protein sequence and biophysical properties (such as structural, functional, and spatial information, amino acid conservation, physicochemical variation, residue mobility, and thermodynamic stability) performed at Invitae indicates that this missense variant is not expected to disrupt GLDC protein function with a negative predictive value of 80%. In summary, the available evidence is currently insufficient to determine the role of this variant in disease. Therefore, it has been classified as a Variant of Uncertain Significance.